The following is an entry in ClinVar:

NM_000138.5(FBN1):c.438dup (p.Gln147fs)

Gene: FBN1 (fibrillin 1; minus strand). Cytogenetic location: 15q21.1.
Variant type: Duplication.
Coding change: c.438dup on transcript NM_000138.5 (MANE Select); coding-DNA position 438, one base duplicated (A; older notation c.438dupA).
Protein change: p.Gln147fs; shifts the reading frame from glutamine 147.
Molecular consequence: frameshift variant.
Genome position (GRCh38, 1-based): chr15:48,600,143, T duplicated on the plus strand (A on the coding strand, the reverse complement: FBN1 is on the minus strand). VCF-style (leftmost placement, unchanged base first): chr15-48600142-G-GT. GRCh37 (hg19) VCF-style: chr15-48892339-G-GT.
Other names: c.438dup, p.Gln147fs (NM_001406716.1, NM_001406717.1); c.438dupA (NM_000138.4); short protein forms Q147fs.
Identifiers: ClinVar variation 2530334 (VCV002530334.2), dbSNP rs2505760925, ClinGen allele CA2580613818.
Genomic context (GRCh38, chr15:48,600,142, plus strand): 5'-TCTACTTGTCTACAAACAGGTTAACATCTAGAATACTTATAACTACAGTGTACTTACGTT[G>GT]TCCACAGTGAGTCCCTATGTATCCTTTCTGGCATAGACAGTGATCGTCACTGCAGCTACC-3'

ClinVar aggregate classification (germline): Pathogenic (1 of 4 stars; one submission).

Conditions:
Familial thoracic aortic aneurysm and aortic dissection (TAAD). Also called: Thoracic aortic aneurysms and dissections. Identifiers: Orphanet 91387, MedGen C4707243, MONDO:0019625.

Submission:

Ambry Genetics
Classification: Pathogenic for Familial thoracic aortic aneurysm and aortic dissection. Last evaluated: 2023-05-10. Review status: criteria provided, single submitter. Criteria: Ambry Variant Classification Scheme 2023. Collection method: clinical testing. Allele origin: germline.
Comment: The c.438dupA (p.Q147Tfs*5) alteration, located in exon 5 (coding exon 4) of the FBN1 gene, consists of a duplication of A at position 438, causing a translational frameshift with a predicted alternate stop codon after 5 amino acids. This alteration is expected to result in loss of function by premature protein truncation or nonsense-mediated mRNA decay. This variant was not reported in population-based cohorts in the Genome Aggregation Database (gnomAD). Based on the available evidence, this alteration is classified as pathogenic.